The following is an entry in ClinVar:

NM_004260.4(RECQL4):c.3122G>C (p.Gly1041Ala)

Gene: RECQL4 (RecQ like helicase 4; minus strand). Cytogenetic location: 8q24.3.
Variant type: single nucleotide variant.
Coding change: c.3122G>C on transcript NM_004260.4 (MANE Select); coding-DNA position 3122, G replaced by C.
Protein change: p.Gly1041Ala; replaces glycine 1041 with alanine.
Molecular consequence: missense variant. On other transcripts: non-coding transcript variant (3).
Genome position (GRCh38, 1-based): chr8:144,512,258, C>G on the plus strand (G>C on the coding strand, the complement: RECQL4 is on the minus strand). VCF-style: chr8-144512258-C-G. GRCh37 (hg19) VCF-style: chr8-145737641-C-G.
Other names: c.2993G>C, p.Gly998Ala (NM_001413025.1); c.1985G>C, p.Gly662Ala (NM_001413027.1, NM_001413030.1, NM_001413032.1); c.2051G>C, p.Gly684Ala (NM_001413028.1, NM_001413034.1, NM_001413035.1 and 4 more transcripts); c.2771G>C, p.Gly924Ala (NM_001413029.1); c.1853G>C, p.Gly618Ala (NM_001413031.1, NM_001413038.1); c.2990G>C, p.Gly997Ala (NM_001413033.1); c.2828G>C, p.Gly943Ala (NM_001413017.1); c.2924G>C, p.Gly975Ala (NM_001413018.1); and 9 more; short protein forms G674A, G684A, G687A, G998A, G1031A, G1066A, G618A, G662A.
Identifiers: ClinVar variation 5028076 (VCV005028076.1).

ClinVar aggregate classification (germline): Uncertain significance (1 of 4 stars; one submission).

Conditions:
Inborn genetic diseases. Identifiers: MedGen C0950123, MeSH D030342.

Submission:

Ambry Genetics
Classification: Uncertain significance for Inborn genetic diseases. Last evaluated: 2026-06-28. Review status: criteria provided, single submitter. Criteria: Ambry Variant Classification Scheme 2023. Collection method: clinical testing. Allele origin: germline.
Comment: The p.G1041A variant (also known as c.3122G>C), located in coding exon 18 of the RECQL4 gene, results from a G to C substitution at nucleotide position 3122. The glycine at codon 1041 is replaced by alanine, an amino acid with similar properties. This amino acid position is conserved. In addition, this alteration is predicted to be tolerated by in silico analysis. Based on the available evidence, the clinical significance of this variant remains unclear.